The following is an entry in ClinVar:

ClinVar aggregate classification (germline): Uncertain significance (1 of 4 stars; one submission).

Conditions:
Methylmalonic acidemia due to transcobalamin receptor defect (MATR). Also called: METHYLMALONIC ACIDURIA, TRANSIENT, DUE TO TRANSCOBALAMIN RECEPTOR DEFECT; METHYLMALONIC ACIDEMIA, TCblR TYPE. Identifiers: Orphanet 280183, MedGen C4749905, MONDO:0013341, OMIM 613646.

gnomAD v4.1: 6 of 1,575,242 alleles (0.00038%); highest among the groups gnomAD compares: Non-Finnish European, 0.00052%; no homozygotes.

Submission:

Labcorp Genetics (formerly Invitae), Labcorp
Classification: Uncertain significance for Methylmalonic acidemia due to transcobalamin receptor defect. Last evaluated: 2024-12-24. Review status: criteria provided, single submitter. Criteria: Invitae Variant Classification Sherloc (09022015). Collection method: clinical testing. Allele origin: germline.
Comment: This sequence change replaces leucine, which is neutral and non-polar, with proline, which is neutral and non-polar, at codon 124 of the CD320 protein (p.Leu124Pro). The frequency data for this variant in the population databases is considered unreliable, as metrics indicate poor data quality at this position in the gnomAD database. This variant has not been reported in the literature in individuals affected with CD320-related conditions. An algorithm developed to predict the effect of missense changes on protein structure and function outputs the following: PolyPhen-2: "Benign". The proline amino acid residue is found in multiple mammalian species, which suggests that this missense change does not adversely affect protein function. In summary, the available evidence is currently insufficient to determine the role of this variant in disease. Therefore, it has been classified as a Variant of Uncertain Significance.

NM_016579.4(CD320):c.371T>C (p.Leu124Pro)

Gene: CD320 (CD320 molecule; minus strand). Cytogenetic location: 19p13.2.
Variant type: single nucleotide variant.
Coding change: c.371T>C on transcript NM_016579.4 (MANE Select); coding-DNA position 371, T replaced by C.
Protein change: p.Leu124Pro; replaces leucine 124 with proline.
Molecular consequence: missense variant.
Genome position (GRCh38, 1-based): chr19:8,303,986, A>G on the plus strand (T>C on the coding strand, the complement: CD320 is on the minus strand). VCF-style: chr19-8303986-A-G. GRCh37 (hg19) VCF-style: chr19-8368870-A-G.
Other names: c.245T>C, p.Leu82Pro (NM_001165895.2); short protein forms L124P, L82P.
Identifiers: ClinVar variation 3624568 (VCV003624568.2).